The following is an entry in ClinVar:

NM_004304.5(ALK):c.640C>T (p.Arg214Cys)

Gene: ALK (ALK receptor tyrosine kinase; minus strand). Cytogenetic location: 2p23.1.
Variant type: single nucleotide variant.
Coding change: c.640C>T on transcript NM_004304.5 (MANE Select); coding-DNA position 640, C replaced by T.
Protein change: p.Arg214Cys; replaces arginine 214 with cysteine.
Molecular consequence: missense variant.
Genome position (GRCh38, 1-based): chr2:29,920,020, G>A on the plus strand (C>T on the coding strand, the complement: ALK is on the minus strand). VCF-style: chr2-29920020-G-A. GRCh37 (hg19) VCF-style: chr2-30142886-G-A.
Other names: short protein forms R214C.
Identifiers: ClinVar variation 538189 (VCV000538189.16), dbSNP rs370297427, ClinGen allele CA1594930.

ClinVar aggregate classification (germline): Uncertain significance. Review status: criteria provided, multiple submitters, no conflicts (2 of 4 stars). 4 submissions from 4 submitters: Uncertain significance (4). Last evaluated 2025-11-16.

Conditions:
Hereditary cancer-predisposing syndrome. Also called: Neoplastic Syndromes, Hereditary; Tumor predisposition; Hereditary Cancer Syndrome; Hereditary neoplastic syndrome. Identifiers: Orphanet 140162, MedGen C0027672, MeSH D009386, MONDO:0015356.
Neuroblastoma, susceptibility to, 3. Also called: ALK-Related Neuroblastic Tumor Susceptibility. Identifiers: Orphanet 635, MedGen C2751681, MONDO:0013083, OMIM 613014.

Allele frequency attached by ClinVar (database versions not stated): gnomAD exomes 0.00001; ExAC 0.00002; TOPMed 0.00003; gnomAD 0.00004; ESP Exome Variant Server 0.00008.
gnomAD v4.1: 24 of 1,613,974 alleles (0.0015%); highest among the groups gnomAD compares: South Asian, 0.0088%; no homozygotes.

Submissions (4):

Labcorp Genetics (formerly Invitae), Labcorp
Classification: Uncertain significance for Neuroblastoma, susceptibility to, 3. Last evaluated: 2025-11-16. Review status: criteria provided, single submitter. Criteria: Invitae Variant Classification Sherloc (09022015). Collection method: clinical testing. Allele origin: germline.
Comment: This sequence change replaces arginine, which is basic and polar, with cysteine, which is neutral and slightly polar, at codon 214 of the ALK protein (p.Arg214Cys). This variant is present in population databases (rs370297427, gnomAD 0.007%). This variant has not been reported in the literature in individuals affected with ALK-related conditions. ClinVar contains an entry for this variant (Variation ID: 538189). An algorithm developed to predict the effect of missense changes on protein structure and function (PolyPhen-2) suggests that this variant is likely to be disruptive. In summary, the available evidence is currently insufficient to determine the role of this variant in disease. Therefore, it has been classified as a Variant of Uncertain Significance.

Ambry Genetics
Classification: Uncertain significance for Hereditary cancer-predisposing syndrome. Last evaluated: 2024-05-20. Review status: criteria provided, single submitter. Criteria: Ambry Variant Classification Scheme 2023. Collection method: clinical testing. Allele origin: germline.
Comment: The p.R214C variant (also known as c.640C>T), located in coding exon 1 of the ALK gene, results from a C to T substitution at nucleotide position 640. The arginine at codon 214 is replaced by cysteine, an amino acid with highly dissimilar properties. This amino acid position is conserved. In addition, this alteration is predicted to be deleterious by in silico analysis. Since supporting evidence is limited at this time, the clinical significance of this alteration remains unclear.

Baylor Genetics
Classification: Uncertain significance for Neuroblastoma, susceptibility to, 3. Last evaluated: 2024-01-11. Review status: criteria provided, single submitter. Criteria: ACMG Guidelines, 2015. Collection method: clinical testing. Allele origin: unknown.

GeneDx
Classification: Uncertain significance. Last evaluated: 2022-05-19. Review status: criteria provided, single submitter. Criteria: GeneDx Variant Classification Process June 2021. Collection method: clinical testing. Allele origin: germline. Affected: yes.
Comment: Not observed at significant frequency in large population cohorts (gnomAD); In silico analysis supports that this missense variant does not alter protein structure/function; Has not been previously published as pathogenic or benign to our knowledge